The following is an entry in ClinVar:

NM_007294.4(BRCA1):c.1353A>G (p.Ser451=)

Gene: BRCA1 (BRCA1 DNA repair associated; minus strand). Cytogenetic location: 17q21.31.
Variant type: single nucleotide variant.
Coding change: c.1353A>G on transcript NM_007294.4 (MANE Select); coding-DNA position 1353, A replaced by G.
Protein change: p.Ser451=; no amino-acid change (serine 451 retained).
Molecular consequence: synonymous variant. On other transcripts: intron variant (137).
Genome position (GRCh38, 1-based): chr17:43,094,178, T>C on the plus strand (A>G on the coding strand, the complement: BRCA1 is on the minus strand). VCF-style: chr17-43094178-T-C. GRCh37 (hg19) VCF-style: chr17-41246195-T-C.
Other names: c.1140A>G, p.Ser380= (NM_001407571.1, NM_001407853.1, NM_001407894.1 and 9 more transcripts); c.1353A>G, p.Ser451= (NM_001407581.1, NM_001407582.1, NM_001407583.1 and 30 more transcripts); c.1350A>G, p.Ser450= (NM_001407587.1, NM_001407590.1, NM_001407591.1 and 22 more transcripts); c.1344A>G, p.Ser448= (NM_001407646.1, NM_001407647.1); c.1230A>G, p.Ser410= (NM_001407648.1, NM_001407664.1, NM_001407665.1 and 19 more transcripts); c.1227A>G, p.Ser409= (NM_001407649.1, NM_001407670.1, NM_001407671.1 and 11 more transcripts); c.1275A>G, p.Ser425= (NM_001407653.1, NM_001407654.1, NM_001407655.1 and 4 more transcripts); c.1272A>G, p.Ser424= (NM_001407659.1, NM_001407660.1, NM_001407661.1 and 1 more transcripts); and 40 more.
Identifiers: ClinVar variation 506497 (VCV000506497.19), dbSNP rs1178888270, ClinGen allele CA500233325.

ClinVar aggregate classification (germline): Likely benign. Review status: criteria provided, multiple submitters, no conflicts (2 of 4 stars). 5 submissions from 5 submitters: Likely benign (5). Last evaluated 2025-09-25.

Conditions:
Hereditary breast ovarian cancer syndrome. Also called: Breast and ovarian cancer; Hereditary breast and/or ovarian cancer syndrome; BRCA1- and BRCA2-Associated Hereditary Breast and Ovarian Cancer; Hereditary breast and ovarian cancer syndrome; Hereditary breast and ovarian cancer syndrome (HBOC); Hereditary breast and ovarian cancer. Identifiers: Orphanet 145, MedGen C0677776, MeSH D061325, MONDO:0003582. Disease mechanism: loss of function.
Breast-ovarian cancer, familial, susceptibility to, 1 (BROVCA1). Also called: BRCA1 Hereditary Breast and Ovarian Cancer; OVARIAN CANCER, SUSCEPTIBILITY TO. Identifiers: Orphanet 145, MedGen C2676676, MONDO:0011450, OMIM 604370. Disease mechanism: loss of function.
Hereditary cancer-predisposing syndrome. Also called: Tumor predisposition; Hereditary Cancer Syndrome; Hereditary neoplastic syndrome; Neoplastic Syndromes, Hereditary. Identifiers: Orphanet 140162, MedGen C0027672, MeSH D009386, MONDO:0015356.

Allele frequency attached by ClinVar (database versions not stated): gnomAD exomes below 0.00001.
gnomAD v4.1: 6 of 1,614,092 alleles (0.00037%); highest among the groups gnomAD compares: Non-Finnish European, 0.00051%; no homozygotes.

Submissions (5):

Labcorp Genetics (formerly Invitae), Labcorp
Classification: Likely benign for Hereditary breast ovarian cancer syndrome. Last evaluated: 2025-09-25. Review status: criteria provided, single submitter. Criteria: Invitae Variant Classification Sherloc (09022015). Collection method: clinical testing. Allele origin: germline.

ARUP Laboratories, Molecular Genetics and Genomics, ARUP Laboratories
Classification: Likely benign. Last evaluated: 2024-08-16. Review status: criteria provided, single submitter. Criteria: ARUP Molecular Germline Variant Investigation Process 2024. Collection method: clinical testing. Allele origin: germline.

All of Us Research Program, National Institutes of Health
Classification: Likely benign for Breast-ovarian cancer, familial, susceptibility to, 1. Last evaluated: 2023-12-01. Review status: criteria provided, single submitter. Criteria: ACMG Guidelines, 2015. Collection method: clinical testing. Allele origin: germline. Inheritance: Autosomal dominant inheritance. Observed: 2 variant alleles, 2 heterozygotes.
Comment: This study involves interpretation of variants in research participants for the purpose of population health screening. Participant phenotype was not available at the time of variant classification. Additional details can be found in publication PMID: 35346344, PMCID: PMC8962531

Ambry Genetics
Classification: Likely benign for Hereditary cancer-predisposing syndrome. Last evaluated: 2018-09-04. Review status: criteria provided, single submitter. Criteria: Ambry Variant Classification Scheme 2023. Collection method: clinical testing. Allele origin: germline.

GeneDx
Classification: Likely benign. Last evaluated: 2017-07-11. Review status: criteria provided, single submitter. Criteria: GeneDx Variant Classification (06012015). Collection method: clinical testing. Allele origin: germline. Affected: yes.
Comment: This variant is considered likely benign or benign based on one or more of the following criteria: it is a conservative change, it occurs at a poorly conserved position in the protein, it is predicted to be benign by multiple in silico algorithms, and/or has population frequency not consistent with disease.